The following is an entry in ClinVar:

NM_005591.4(MRE11):c.1430A>G (p.Gln477Arg)

Gene: MRE11 (MRE11 double strand break repair nuclease; minus strand). Cytogenetic location: 11q21.
Variant type: single nucleotide variant.
Coding change: c.1430A>G on transcript NM_005591.4 (MANE Select); coding-DNA position 1430, A replaced by G.
Protein change: p.Gln477Arg; replaces glutamine 477 with arginine.
Molecular consequence: missense variant.
Genome position (GRCh38, 1-based): chr11:94,459,478, T>C on the plus strand (A>G on the coding strand, the complement: MRE11 is on the minus strand). VCF-style: chr11-94459478-T-C. GRCh37 (hg19) VCF-style: chr11-94192644-T-C.
Other names: c.1430A>G, p.Gln477Arg (NM_001330347.2, NM_005590.4); short protein forms Q477R.
Identifiers: ClinVar variation 3295827 (VCV003295827.1).
Genomic context (GRCh38, chr11:94,459,478, plus strand): 5'-ATTTTGTCTTCGAGGGCATCAATATGACGTTCTTTAAGAAATCGCTGTGTTTTTTCCAAC[T>C]GGTATTTCACTAATTCCTCAATGGCATCTTTCTCCTCCTTGTCCACAAATTCTTGTACTG-3'
Protein context (NP_005582.1, residues 467-487): KDAIEELVKY[Gln477Arg]LEKTQRFLKE

ClinVar aggregate classification (germline): Uncertain significance (1 of 4 stars; one submission).

Conditions:
Hereditary cancer-predisposing syndrome. Also called: Tumor predisposition; Hereditary Cancer Syndrome; Hereditary neoplastic syndrome; Neoplastic Syndromes, Hereditary. Identifiers: Orphanet 140162, MedGen C0027672, MeSH D009386, MONDO:0015356.

gnomAD v4.1: 1 of 1,614,126 alleles (0.000062%); highest among the groups gnomAD compares: Non-Finnish European, 0.000085%; no homozygotes.

Submission:

Ambry Genetics
Classification: Uncertain significance for Hereditary cancer-predisposing syndrome. Last evaluated: 2024-05-24. Review status: criteria provided, single submitter. Criteria: Ambry Variant Classification Scheme 2023. Collection method: clinical testing. Allele origin: germline.
Comment: The p.Q477R variant (also known as c.1430A>G), located in coding exon 12 of the MRE11A gene, results from an A to G substitution at nucleotide position 1430. The glutamine at codon 477 is replaced by arginine, an amino acid with highly similar properties. This amino acid position is conserved. In addition, this alteration is predicted to be deleterious by in silico analysis. Based on the available evidence, the clinical significance of this variant remains unclear.